The following is an entry in ClinVar:

ClinVar aggregate classification (germline): Likely benign (1 of 4 stars; one submission).

gnomAD v4.1: 174 of 1,611,432 alleles (0.011%); highest among the groups gnomAD compares: Non-Finnish European, 0.014%; no homozygotes.

Submission:

CeGaT Center for Human Genetics Tuebingen
Classification: Likely benign. Last evaluated: 2025-08-01. Review status: criteria provided, single submitter. Criteria: CeGaT Center For Human Genetics Tuebingen Variant Classification Criteria Version 2. Collection method: clinical testing. Allele origin: germline. Affected: yes. Observed: 1 variant allele.
Comment: TRIM71: BP4, BP7

NM_001039111.3(TRIM71):c.1029C>T (p.Ile343=)

Gene: TRIM71 (tripartite motif containing 71; plus strand). Cytogenetic location: 3p22.3.
Variant type: single nucleotide variant.
Coding change: c.1029C>T on transcript NM_001039111.3 (MANE Select); coding-DNA position 1029, C replaced by T.
Protein change: p.Ile343=; no amino-acid change (isoleucine 343 retained).
Molecular consequence: synonymous variant.
Genome position (GRCh38, 1-based): chr3:32,885,942, C>T. VCF-style: chr3-32885942-C-T. GRCh37 (hg19) VCF-style: chr3-32927434-C-T.
Identifiers: ClinVar variation 4084201 (VCV004084201.8).